The following is an entry in ClinVar:

NM_019098.5(CNGB3):c.1697A>G (p.His566Arg)

Gene: CNGB3 (cyclic nucleotide gated channel subunit beta 3; minus strand). Cytogenetic location: 8q21.3.
Variant type: single nucleotide variant.
Coding change: c.1697A>G on transcript NM_019098.5 (MANE Select); coding-DNA position 1697, A replaced by G.
Protein change: p.His566Arg; replaces histidine 566 with arginine.
Molecular consequence: missense variant.
Genome position (GRCh38, 1-based): chr8:86,604,177, T>C on the plus strand (A>G on the coding strand, the complement: CNGB3 is on the minus strand). VCF-style: chr8-86604177-T-C. GRCh37 (hg19) VCF-style: chr8-87616405-T-C.
Other names: short protein forms H566R.
Identifiers: ClinVar variation 2039337 (VCV002039337.2), dbSNP rs1275855280, ClinGen allele CA371449151.
Genomic context (GRCh38, chr8:86,604,177, plus strand): 5'-GCTTTCAGAGTAACCAGAACTTTAGTACCATCAGGGCCTCCAAGAACTTGGACTTCTCCA[T>C]GCTTGATGATATACATTTCCTTGCCAATTTCTCCCTACATTTTAAATATAAAGAGGAAAT-3'
Protein context (NP_061971.3, residues 556-576): EIGKEMYIIK[His566Arg]GEVQVLGGPD

ClinVar aggregate classification (germline): Uncertain significance. Review status: criteria provided, multiple submitters, no conflicts (2 of 4 stars). 2 submissions from 2 submitters: Uncertain significance (2). Last evaluated 2022-06-04.

Allele frequency attached by ClinVar (database versions not stated): gnomAD exomes below 0.00001.
gnomAD v4.1: 2 of 1,613,398 alleles (0.00012%); highest among the groups gnomAD compares: South Asian, 0.0022%; no homozygotes.

Submissions (2):

Labcorp Genetics (formerly Invitae), Labcorp
Classification: Uncertain significance. Last evaluated: 2022-06-04. Review status: criteria provided, single submitter. Criteria: Invitae Variant Classification Sherloc (09022015). Collection method: clinical testing. Allele origin: germline.
Comment: This sequence change replaces histidine, which is basic and polar, with arginine, which is basic and polar, at codon 566 of the CNGB3 protein (p.His566Arg). This variant is present in population databases (no rsID available, gnomAD 0.003%). This variant has not been reported in the literature in individuals affected with CNGB3-related conditions. Advanced modeling of protein sequence and biophysical properties (such as structural, functional, and spatial information, amino acid conservation, physicochemical variation, residue mobility, and thermodynamic stability) performed at Invitae indicates that this missense variant is not expected to disrupt CNGB3 protein function. In summary, the available evidence is currently insufficient to determine the role of this variant in disease. Therefore, it has been classified as a Variant of Uncertain Significance.

Blueprint Genetics
Classification: Uncertain significance. Last evaluated: 2018-12-20. Review status: criteria provided, single submitter. Criteria: ACMG Guidelines, 2015. Collection method: clinical testing. Allele origin: germline.